The following is an entry in ClinVar:

ClinVar aggregate classification (germline): Uncertain significance. Review status: criteria provided, multiple submitters, no conflicts (2 of 4 stars). 2 submissions from 2 submitters: Uncertain significance (2). Last evaluated 2022-09-02.

Conditions:
Neuropathy, hereditary sensory, type 1F. Also called: Hereditary sensory neuropathy type IF; HSN IF. Identifiers: Orphanet 36386, MedGen C3810194, MONDO:0014286, OMIM 615632.

Allele frequency attached by ClinVar (database versions not stated): gnomAD 0.00001; gnomAD exomes 0.00001 and 0.00002; ExAC 0.00003.
gnomAD v4.1: 14 of 1,614,026 alleles (0.00087%); highest among the groups gnomAD compares: Admixed American, 0.0083%; no homozygotes.

Submissions (2):

Labcorp Genetics (formerly Invitae), Labcorp
Classification: Uncertain significance for Neuropathy, hereditary sensory, type 1F. Last evaluated: 2022-09-02. Review status: criteria provided, single submitter. Criteria: Invitae Variant Classification Sherloc (09022015). Collection method: clinical testing. Allele origin: germline.
Comment: In summary, the available evidence is currently insufficient to determine the role of this variant in disease. Therefore, it has been classified as a Variant of Uncertain Significance. Algorithms developed to predict the effect of missense changes on protein structure and function (SIFT, PolyPhen-2, Align-GVGD) all suggest that this variant is likely to be tolerated. ClinVar contains an entry for this variant (Variation ID: 1008466). This variant has not been reported in the literature in individuals affected with ATL3-related conditions. This variant is present in population databases (rs753142252, gnomAD 0.009%). This sequence change replaces methionine, which is neutral and non-polar, with valine, which is neutral and non-polar, at codon 476 of the ATL3 protein (p.Met476Val).

Blueprint Genetics
Classification: Uncertain significance. Last evaluated: 2022-08-17. Review status: criteria provided, single submitter. Criteria: ACMG Guidelines, 2015. Collection method: clinical testing. Allele origin: germline.

NM_015459.5(ATL3):c.1426A>G (p.Met476Val)

Genes: ATL3 (atlastin GTPase 3; minus strand), LNCROPM (lncRNA regulator of PLAAT3 mediated phospholipid metabolism; plus strand). Cytogenetic location: 11q13.1.
Variant type: single nucleotide variant.
Coding change: c.1426A>G on transcript NM_015459.5 (MANE Select); coding-DNA position 1426, A replaced by G.
Protein change: p.Met476Val; replaces methionine 476 with valine.
Molecular consequence: missense variant.
Genome position (GRCh38, 1-based): chr11:63,631,153, T>C on the plus strand (A>G on the coding strand, the complement: ATL3 is on the minus strand). VCF-style: chr11-63631153-T-C. GRCh37 (hg19) VCF-style: chr11-63398625-T-C.
Other names: c.1372A>G, p.Met458Val (NM_001290048.2); short protein forms M458V, M476V.
Identifiers: ClinVar variation 1008466 (VCV001008466.9), dbSNP rs753142252, ClinGen allele CA6063520.